The following is an entry in ClinVar:

NM_014339.7(IL17RA):c.942G>A (p.Pro314=)

Gene: IL17RA (interleukin 17 receptor A; plus strand). Cytogenetic location: 22q11.1.
Variant type: single nucleotide variant.
Coding change: c.942G>A on transcript NM_014339.7 (MANE Select); coding-DNA position 942, G replaced by A.
Protein change: p.Pro314=; no amino-acid change (proline 314 retained).
Molecular consequence: synonymous variant.
Genome position (GRCh38, 1-based): chr22:17,105,601, G>A. VCF-style: chr22-17105601-G-A. GRCh37 (hg19) VCF-style: chr22-17586491-G-A.
Other names: c.942G>A, p.Pro314= (NM_001289905.2).
Identifiers: ClinVar variation 340586 (VCV000340586.36), dbSNP rs41321447, ClinGen allele CA10086569.

ClinVar aggregate classification (germline): Likely benign. Review status: criteria provided, multiple submitters, no conflicts (2 of 4 stars). 4 submissions from 4 submitters: Likely benign (4). Last evaluated 2026-01-26.

Conditions:
Immunodeficiency 51 (IMD51). Also called: CANDIDIASIS, FAMILIAL, 5. Identifiers: Orphanet 1334, MedGen C4310803, MONDO:0013500, OMIM 613953.

Allele frequency attached by ClinVar (database versions not stated): 1000 Genomes Project 30x 0.00172; 1000 Genomes Project 0.00200; TOPMed 0.00295; ESP Exome Variant Server 0.00300.

Submissions (4):

Labcorp Genetics (formerly Invitae), Labcorp
Classification: Likely benign for Immunodeficiency 51. Last evaluated: 2026-01-26. Review status: criteria provided, single submitter. Criteria: Invitae Variant Classification Sherloc (09022015). Collection method: clinical testing. Allele origin: germline.

Blueprint Genetics
Classification: Likely benign. Last evaluated: 2024-11-28. Review status: criteria provided, single submitter. Criteria: ACMG Guidelines, 2015. Collection method: clinical testing. Allele origin: germline.

CeGaT Center for Human Genetics Tuebingen
Classification: Likely benign. Last evaluated: 2024-04-01. Review status: criteria provided, single submitter. Criteria: CeGaT Center For Human Genetics Tuebingen Variant Classification Criteria Version 2. Collection method: clinical testing. Allele origin: germline. Affected: yes. Observed: 1 variant allele.
Comment: IL17RA: BP4, BP7, BS2

Illumina Laboratory Services, Illumina
Classification: Likely benign for Immunodeficiency 51. Last evaluated: 2018-01-13. Review status: criteria provided, single submitter. Criteria: ICSL Variant Classification Criteria 13 December 2019. Collection method: clinical testing. Allele origin: germline.
Comment: This variant was observed in the ICSL laboratory as part of a predisposition screen in an ostensibly healthy population. It had not been previously curated by ICSL or reported in the Human Gene Mutation Database (HGMD: prior to June 1st, 2018), and was therefore a candidate for classification through an automated scoring system. Utilizing variant allele frequency, disease prevalence and penetrance estimates, and inheritance mode, an automated score was calculated to assess if this variant is too frequent to cause the disease. Based on the score and internal cut-off values, a variant classified as likely benign is not then subjected to further curation. The score for this variant resulted in a classification of likely benign for this disease.